The following is an entry in ClinVar:

NM_000448.3(RAG1):c.1519C>T (p.Arg507Trp)

Gene: RAG1 (recombination activating 1; plus strand). Cytogenetic location: 11p12.
Variant type: single nucleotide variant.
Coding change: c.1519C>T on transcript NM_000448.3 (MANE Select); coding-DNA position 1519, C replaced by T.
Protein change: p.Arg507Trp; replaces arginine 507 with tryptophan.
Molecular consequence: missense variant.
Genome position (GRCh38, 1-based): chr11:36,574,823, C>T. VCF-style: chr11-36574823-C-T. GRCh37 (hg19) VCF-style: chr11-36596373-C-T.
Other names: c.1519C>T, p.Arg507Trp (NM_001377277.1, NM_001377278.1, NM_001377279.1 and 1 more transcripts); short protein forms R507W.
Identifiers: ClinVar variation 242791 (VCV000242791.9), dbSNP rs104894298, ClinGen allele CA034720.

ClinVar aggregate classification (germline): Conflicting classifications of pathogenicity. Review status: criteria provided, conflicting classifications (1 of 4 stars). 3 submissions from 3 submitters: Likely pathogenic (2); Uncertain significance (1). Last evaluated 2024-02-08.

Conditions:
Combined immunodeficiency with skin granulomas. Identifiers: Orphanet 157949, MedGen C2673536, MONDO:0009306, OMIM 233650.
Severe combined immunodeficiency, autosomal recessive, T cell-negative, B cell-negative, NK cell-positive. Also called: SCID, T CELL-NEGATIVE, B CELL-NEGATIVE, NK CELL-POSITIVE; SCID, AR, T-cell negative, B-cell negative, NK cell-positive; Severe combined immunodeficiency due to complete RAG1/2 deficiency. Identifiers: Orphanet 331206, MedGen C1832322, MONDO:0011086, OMIM 601457.
Combined immunodeficiency due to partial RAG1 deficiency. Identifiers: Orphanet 231154, MedGen C1835931, MONDO:0012359, OMIM 609889.
Histiocytic medullary reticulosis. Also called: SEVERE COMBINED IMMUNODEFICIENCY WITH HYPEREOSINOPHILIA; Omenn syndrome. Identifiers: Orphanet 39041, MedGen C2700553, MONDO:0011338, OMIM 603554.

gnomAD v4.1: 9 of 1,614,246 alleles (0.00056%); highest among the groups gnomAD compares: Non-Finnish European, 0.00076%; no homozygotes.

Submissions (3):

Fulgent Genetics
Classification: Likely pathogenic for Combined immunodeficiency with skin granulomas; Severe combined immunodeficiency, autosomal recessive, T cell-negative, B cell-negative, NK cell-positive; Histiocytic medullary reticulosis; Combined immunodeficiency due to partial RAG1 deficiency. Last evaluated: 2024-02-08. Review status: criteria provided, single submitter. Criteria: ACMG Guidelines, 2015. Collection method: clinical testing. Allele origin: germline.

Labcorp Genetics (formerly Invitae), Labcorp
Classification: Likely pathogenic for Combined immunodeficiency with skin granulomas; Severe combined immunodeficiency, autosomal recessive, T cell-negative, B cell-negative, NK cell-positive. Last evaluated: 2024-02-01. Review status: criteria provided, single submitter. Criteria: Invitae Variant Classification Sherloc (09022015). Collection method: clinical testing. Allele origin: germline.
Comment: This sequence change replaces arginine, which is basic and polar, with tryptophan, which is neutral and slightly polar, at codon 507 of the RAG1 protein (p.Arg507Trp). This variant is not present in population databases (gnomAD no frequency). This missense change has been observed in individual(s) with clinical features of severe combined immunodeficiency and Omenn syndrome (PMID: 11133745, 18463379, 28769923). ClinVar contains an entry for this variant (Variation ID: 242791). Advanced modeling of protein sequence and biophysical properties (such as structural, functional, and spatial information, amino acid conservation, physicochemical variation, residue mobility, and thermodynamic stability) has been performed at Invitae for this missense variant, however the output from this modeling did not meet the statistical confidence thresholds required to predict the impact of this variant on RAG1 protein function. Experimental studies have shown that this missense change affects RAG1 function (PMID: 24290284). In summary, the currently available evidence indicates that the variant is pathogenic, but additional data are needed to prove that conclusively. Therefore, this variant has been classified as Likely Pathogenic.

Women's Health and Genetics/Laboratory Corporation of America, LabCorp
Classification: Uncertain significance. Last evaluated: 2022-10-27. Review status: criteria provided, single submitter. Criteria: LabCorp Variant Classification Summary - May 2015. Collection method: clinical testing. Allele origin: germline.
Comment: Variant summary: RAG1 c.1519C>T (p.Arg507Trp) results in a non-conservative amino acid change in the encoded protein sequence. Five of five in-silico tools predict a damaging effect of the variant on protein function. The variant was absent in 251076 control chromosomes. c.1519C>T has been reported in the literature as a compound heterozygous genotype in at-least two individuals with features of atypical Severe Combined Immunodeficiency Syndrome/Omenn Syndrome (SCID/OS) (example, Villa_2001, Schuetz_2008). One of these reported cases harbored this variant in cis with p.Arg737His on the paternal allele while the maternal allele harbored a different variant (p.Arg314Trp) (Schuetz_2008) and this individual has subsequently been cited by others (example, Schuetz_2014, Lee_2014, Farmer_2019). The presence of this complex allele representation makes it challenging to capture the impact of this variant in isolation. Therefore, only one report of its presence as a presumed compound heterozygous genotype with p.Arg561Cys in an individual affected with atypical SCID/OS is captured in the context of this evaluation (Villa_2001). These data do not allow any conclusion about variant significance. At least one publication reports experimental evidence evaluating an impact on protein function in isolation (Lee_2014). The most pronounced variant effect results in approximately 16% of normal RAG recombinase activity in-vitro. In another study, the paternally derived complex allele is reported as having 0.09 or 3% of WT activity while the maternal p.Arg314Trp allele had an activity of 0.96 or 30% of WT (Schuetz_2008) in-vitro. One clinical diagnostic laboratory has submitted clinical-significance assessments for this variant to ClinVar after 2014 and classified the variant as likely pathogenic citing overlapping evidence utilized in the context of this evaluation. Based on the evidence outlined above, the variant was classified as VUS-possibly pathogenic.

Literature cited by the submitters: PubMed 11133745 (cited by Labcorp Genetics (formerly Invitae), Labcorp and Women's Health and Genetics/Laboratory Corporation of America, LabCorp); PubMed 18463379 (cited by Labcorp Genetics (formerly Invitae), Labcorp and Women's Health and Genetics/Laboratory Corporation of America, LabCorp); PubMed 28769923 (cited by Labcorp Genetics (formerly Invitae), Labcorp); PubMed 24290284 (cited by Labcorp Genetics (formerly Invitae), Labcorp and Women's Health and Genetics/Laboratory Corporation of America, LabCorp); PubMed 11971977 (cited by Women's Health and Genetics/Laboratory Corporation of America, LabCorp); PubMed 24331380 (cited by Women's Health and Genetics/Laboratory Corporation of America, LabCorp); PubMed 30877075 (cited by Women's Health and Genetics/Laboratory Corporation of America, LabCorp); PubMed 29104089 (cited by Women's Health and Genetics/Laboratory Corporation of America, LabCorp).